The following is an entry in ClinVar:

ClinVar aggregate classification (germline): Benign/Likely benign. Review status: criteria provided, multiple submitters, no conflicts (2 of 4 stars). 3 submissions from 3 submitters: Benign (1); Likely benign (1). 1 of the submissions does not count toward it. Last evaluated 2025-07-14.

Conditions:
FAT2-related disorder. Also called: FAT2-related condition.

Allele frequency attached by ClinVar (database versions not stated): ESP Exome Variant Server 0.00008; gnomAD 0.00029; TOPMed 0.00039; ExAC 0.00047; 1000 Genomes Project 0.00140; 1000 Genomes Project 30x 0.00156.
gnomAD v4.1: 301 of 1,613,940 alleles (0.019%); highest among the groups gnomAD compares: South Asian, 0.25%; 5 homozygotes.

Submissions (3):

Labcorp Genetics (formerly Invitae), Labcorp
Classification: Benign. Last evaluated: 2025-07-14. Review status: criteria provided, single submitter. Criteria: Invitae Variant Classification Sherloc (09022015). Collection method: clinical testing. Allele origin: germline.

Blueprint Genetics
Classification: Likely benign. Last evaluated: 2022-12-16. Review status: criteria provided, single submitter. Criteria: ACMG Guidelines, 2015. Collection method: clinical testing. Allele origin: germline.

PreventionGenetics, part of Exact Sciences
Classification: Likely benign for FAT2-related condition. Last evaluated: 2019-12-12. Review status: no assertion criteria provided. Collection method: clinical testing. Allele origin: germline. Not counted in ClinVar's aggregate classification.
Comment: This variant is classified as likely benign based on ACMG/AMP sequence variant interpretation guidelines (Richards et al. 2015 PMID: 25741868, with internal and published modifications).

NM_001447.3(FAT2):c.3009T>C (p.Asp1003=)

Gene: FAT2 (FAT atypical cadherin 2; minus strand). Cytogenetic location: 5q33.1.
Variant type: single nucleotide variant.
Coding change: c.3009T>C on transcript NM_001447.3 (MANE Select); coding-DNA position 3009, T replaced by C.
Protein change: p.Asp1003=; no amino-acid change (aspartic acid 1003 retained).
Molecular consequence: synonymous variant.
Genome position (GRCh38, 1-based): chr5:151,565,923, A>G on the plus strand (T>C on the coding strand, the complement: FAT2 is on the minus strand). VCF-style: chr5-151565923-A-G. GRCh37 (hg19) VCF-style: chr5-150945484-A-G.
Other names: c.3009T>C (NM_001447.2).
Identifiers: ClinVar variation 2045720 (VCV002045720.7), dbSNP rs202044437, ClinGen allele CA3521946.